The following is an entry in ClinVar:

ClinVar aggregate classification (germline): Uncertain significance (1 of 4 stars; one submission).

Submission:

GeneDx
Classification: Uncertain significance. Last evaluated: 2019-12-26. Review status: criteria provided, single submitter. Criteria: GeneDx Variant Classification Process June 2021. Collection method: clinical testing. Allele origin: germline. Affected: yes.
Comment: Not observed in large population cohorts (Lek et al., 2016); In silico analysis, which includes protein predictors and evolutionary conservation, supports a deleterious effect; Has not been previously published as pathogenic or benign to our knowledge

NM_017780.4(CHD7):c.6241T>C (p.Cys2081Arg)

Gene: CHD7 (chromodomain helicase DNA binding protein 7; plus strand). Cytogenetic location: 8q12.2.
Variant type: single nucleotide variant.
Coding change: c.6241T>C on transcript NM_017780.4 (MANE Select); coding-DNA position 6241, T replaced by C.
Protein change: p.Cys2081Arg; replaces cysteine 2081 with arginine.
Molecular consequence: missense variant. On other transcripts: intron variant (1).
Genome position (GRCh38, 1-based): chr8:60,852,966, T>C. VCF-style: chr8-60852966-T-C. GRCh37 (hg19) VCF-style: chr8-61765525-T-C.
Other names: c.1717-9263T>C (NM_001316690.1); short protein forms C2081R.
Identifiers: ClinVar variation 1211417 (VCV001211417.3), dbSNP rs2150809854, ClinGen allele CA371324513.
Genomic context (GRCh38, chr8:60,852,966, plus strand): 5'-CTACGGAAGATCCGCGAGCAGGTTCTCCATCACCCCCAGCTGGGAGAGAGGCTTAAGCTC[T>C]GCCAGCCAAGCTTGGATCTGCCAGAGTGGTGGGAGTGTGGACGGCATGACCGAGACTTGC-3'
Protein context (NP_060250.2, residues 2071-2091): HPQLGERLKL[Cys2081Arg]QPSLDLPEWW